The following is an entry in ClinVar:

NM_002778.4(PSAP):c.64_65insAA (p.Leu22fs)

Gene: PSAP (prosaposin; minus strand). Cytogenetic location: 10q22.1.
Variant type: Insertion.
Coding change: c.64_65insAA on transcript NM_002778.4 (MANE Select); coding-DNA positions 64 to 65, AA inserted.
Protein change: p.Leu22fs; shifts the reading frame from leucine 22.
Molecular consequence: frameshift variant.
Genome position: GRCh38 VCF-style: chr10-71834481-A-ATT. GRCh37 (hg19) VCF-style: chr10-73594238-A-ATT.
Other names: c.64_65insAA, p.Leu22fs (NM_001042465.3, NM_001042466.3); short protein forms L22fs.
Identifiers: ClinVar variation 4815082 (VCV004815082.1).

ClinVar aggregate classification (germline): Likely pathogenic (1 of 4 stars; one submission).

Conditions:
Metachromatic leukodystrophy (MLD). Also called: Cerebral sclerosis diffuse metachromatic form; Arylsulfatase A Deficiency; ARSA DEFICIENCY; CEREBROSIDE SULFATASE DEFICIENCY; METACHROMATIC LEUKOENCEPHALOPATHY; SULFATIDE LIPIDOSIS. Identifiers: Orphanet 512, MedGen C0023522, MONDO:0018868, OMIM 250100.

Submission:

Natera, Inc.
Classification: Likely pathogenic for Metachromatic leukodystrophy. Last evaluated: 2024-12-19. Review status: criteria provided, single submitter. Criteria: Natera Variant Classification Schema (03/2026). Collection method: clinical testing. Allele origin: germline.
Comment: The c.64_65insAA variant in PSAP is a frameshift variant predicted to shift the reading frame beginning at codon 22 and leads to a stop codon 2 codons downstream. This variant is expected to result in nonsense mediated decay, truncation, or a dysfunctional protein product. This variant is rare in the general population with a frequency below the threshold expected for the associated phenotype(s). Given the available evidence, this variant is classified as Likely Pathogenic.